The following is an entry in ClinVar:

ClinVar aggregate classification (germline): Uncertain significance. Review status: criteria provided, multiple submitters, no conflicts (2 of 4 stars). 3 submissions from 3 submitters: Uncertain significance (3). Last evaluated 2024-03-24.

Conditions:
Spastic paraplegia. Identifiers: MedGen C0037772, HP:0001258.

Allele frequency attached by ClinVar (database versions not stated): TOPMed 0.00002.

Submissions (3):

Labcorp Genetics (formerly Invitae), Labcorp
Classification: Uncertain significance for Spastic paraplegia. Last evaluated: 2024-03-24. Review status: criteria provided, single submitter. Criteria: Invitae Variant Classification Sherloc (09022015). Collection method: clinical testing. Allele origin: germline.
Comment: This sequence change replaces isoleucine, which is neutral and non-polar, with serine, which is neutral and polar, at codon 721 of the KIF5A protein (p.Ile721Ser). This variant is not present in population databases (gnomAD no frequency). This variant has not been reported in the literature in individuals affected with KIF5A-related conditions. ClinVar contains an entry for this variant (Variation ID: 246529). Advanced modeling of protein sequence and biophysical properties (such as structural, functional, and spatial information, amino acid conservation, physicochemical variation, residue mobility, and thermodynamic stability) has been performed at Invitae for this missense variant, however the output from this modeling did not meet the statistical confidence thresholds required to predict the impact of this variant on KIF5A protein function. In summary, the available evidence is currently insufficient to determine the role of this variant in disease. Therefore, it has been classified as a Variant of Uncertain Significance.

Blueprint Genetics
Classification: Uncertain significance. Last evaluated: 2019-05-08. Review status: criteria provided, single submitter. Criteria: ACMG Guidelines, 2015. Collection method: clinical testing. Allele origin: germline.

GeneDx
Classification: Uncertain significance. Last evaluated: 2016-03-23. Review status: criteria provided, single submitter. Criteria: GeneDx Variant Classification (06012015). Collection method: clinical testing. Allele origin: germline. Affected: yes.
Comment: The I721S variant in the KIF5A gene has not been reported previously as a pathogenic variant, nor as a benign variant, to our knowledge. The I721S variant was not observed in approximately 6,500 individuals of European and African American ancestry in the NHLBI Exome Sequencing Project, indicating it is not a common benign variant in these populations. The I721S variant is a non-conservative amino acid substitution, which is likely to impact secondary protein structure as these residues differ in polarity, charge, size and/or other properties. This substitution occurs at a position that is conserved across species. In silico analysis predicts this variant is probably damaging to the protein structure/function. We interpret I721S as a variant of uncertain significance

NM_004984.4(KIF5A):c.2162T>G (p.Ile721Ser)

Gene: KIF5A (kinesin family member 5A; plus strand). Cytogenetic location: 12q13.3.
Variant type: single nucleotide variant.
Coding change: c.2162T>G on transcript NM_004984.4 (MANE Select); coding-DNA position 2162, T replaced by G.
Protein change: p.Ile721Ser; replaces isoleucine 721 with serine.
Molecular consequence: missense variant.
Genome position (GRCh38, 1-based): chr12:57,576,342, T>G. VCF-style: chr12-57576342-T-G. GRCh37 (hg19) VCF-style: chr12-57970125-T-G.
Other names: c.1895T>G, p.Ile632Ser (NM_001354705.2); short protein forms I721S, I632S.
Identifiers: ClinVar variation 246529 (VCV000246529.8), dbSNP rs879254299, ClinGen allele CA10584434.